The following is an entry in ClinVar:

NM_001267550.2(TTN):c.28547G>A (p.Arg9516His)

Gene: TTN (titin; minus strand). Cytogenetic location: 2q31.2.
Variant type: single nucleotide variant.
Coding change: c.28547G>A on transcript NM_001267550.2 (MANE Select); coding-DNA position 28547, G replaced by A.
Protein change: p.Arg9516His; replaces arginine 9516 with histidine.
Molecular consequence: missense variant. On other transcripts: intron variant (3).
Genome position (GRCh38, 1-based): chr2:178,709,772, C>T on the plus strand (G>A on the coding strand, the complement: TTN is on the minus strand). VCF-style: chr2-178709772-C-T. GRCh37 (hg19) VCF-style: chr2-179574499-C-T.
Other names: p.R8272H:CGT>CAT; c.27596G>A, p.Arg9199His (NM_001256850.1); c.24815G>A, p.Arg8272His (NM_133378.4); c.13282+28310G>A (NM_003319.4); c.13858+28310G>A (NM_133437.4); c.13657+28310G>A (NM_133432.3); c.28547G>A (NM_001267550.1); short protein forms R9516H, R9199H, R8272H.
Identifiers: ClinVar variation 199241 (VCV000199241.44), dbSNP rs374156904, ClinGen allele CA203815.
Genomic context (GRCh38, chr2:178,709,772, plus strand): 5'-GGTTGTATCTCTATATTATTTTTGTACCAGGCAACAGTTATAGGTTGGGAACCAGCCACA[C>T]GTCCCTCAAGTTTGAAAGAATTCCCTTCTGTTTCTTCTACTGTCTCTGAGAGTCTTTTAG-3'
Protein context (NP_001254479.2, residues 9506-9526): TEGNSFKLEG[Arg9516His]VAGSQPITVA

ClinVar aggregate classification (germline): Conflicting classifications of pathogenicity. Review status: criteria provided, conflicting classifications (1 of 4 stars). 19 submissions from 15 submitters: Uncertain significance (4); Benign (6); Likely benign (5). 4 of the submissions do not count toward it. Last evaluated 2026-07-01.

Conditions:
TTN-related disorder. Also called: TTN-related disorders; TTN-related condition; TTN-related disease.
Cardiovascular phenotype. Identifiers: MedGen CN230736.
Autosomal recessive limb-girdle muscular dystrophy type 2J (LGMDR10). Also called: Limb-girdle muscular dystrophy, type 2J; MUSCULAR DYSTROPHY, LIMB-GIRDLE, AUTOSOMAL RECESSIVE 10. Identifiers: Orphanet 140922, MedGen C1837342, MONDO:0012127, OMIM 608807.
Dilated cardiomyopathy 1G (CMD1G). Identifiers: Orphanet 154, MedGen C1858763, MONDO:0011400, OMIM 604145.
Cardiomyopathy (CMYO). Also called: Cardiomyopathies. Identifiers: Orphanet 167848, MedGen C0878544, MONDO:0004994, HP:0001638. Inheritance: Various modes of inheritance.
Early-onset myopathy with fatal cardiomyopathy (CMYO5). Also called: Salih Myopathy; CONGENITAL MYOPATHY 5 WITH CARDIOMYOPATHY. Identifiers: Orphanet 289377, MedGen C2673677, MONDO:0012714, OMIM 611705. Disease mechanism: loss of function.
Myopathy, myofibrillar, 9, with early respiratory failure (MFM9). Also called: Myopathy, distal, with early respiratory failure, autosomal dominant; EDSTROM MYOPATHY; MYOPATHY, PROXIMAL, WITH EARLY RESPIRATORY MUSCLE INVOLVEMENT; Hereditary myopathy with early respiratory failure. Identifiers: Orphanet 178464, Orphanet 34521, MedGen C1863599, MONDO:0011362, OMIM 603689.
Tibial muscular dystrophy (TMD). Also called: Udd Distal Myopathy – Tibial Muscular Dystrophy; UDD MYOPATHY; Tibial muscular dystrophy, tardive. Identifiers: Orphanet 609, MedGen C1838244, MONDO:0010870, OMIM 600334.

Allele frequency attached by ClinVar (database versions not stated): gnomAD 0.00016 and 0.00023; gnomAD exomes 0.00024 and 0.00041; TOPMed 0.00036; ExAC 0.00044; 1000 Genomes Project 30x 0.00094; 1000 Genomes Project 0.00120.
gnomAD v4.1: 410 of 1,613,780 alleles (0.025%); highest among the groups gnomAD compares: East Asian, 0.73%; 1 homozygote.

Submissions (19):

CeGaT Center for Human Genetics Tuebingen
Classification: Uncertain significance. Last evaluated: 2026-07-01. Review status: criteria provided, single submitter. Criteria: CeGaT Center For Human Genetics Tuebingen Variant Classification Criteria Version 2. Collection method: clinical testing. Allele origin: germline. Affected: yes. Observed: 3 variant alleles.

Labcorp Genetics (formerly Invitae), Labcorp
Classification: Benign for Dilated cardiomyopathy 1G; Autosomal recessive limb-girdle muscular dystrophy type 2J. Last evaluated: 2026-02-04. Review status: criteria provided, single submitter. Criteria: Invitae Variant Classification Sherloc (09022015). Collection method: clinical testing. Allele origin: germline.

Blueprint Genetics
Classification: Likely benign. Last evaluated: 2024-08-21. Review status: criteria provided, single submitter. Criteria: ACMG Guidelines, 2015. Collection method: clinical testing. Allele origin: germline.

Athena Diagnostics
Classification: Benign. Last evaluated: 2024-01-11. Review status: criteria provided, single submitter. Criteria: Athena Diagnostics Criteria. Collection method: clinical testing. Allele origin: unknown.

Women's Health and Genetics/Laboratory Corporation of America, LabCorp
Classification: Likely benign. Last evaluated: 2023-08-08. Review status: criteria provided, single submitter. Criteria: LabCorp Variant Classification Summary - May 2015. Collection method: clinical testing. Allele origin: germline.

GeneDx
Classification: Likely benign. Last evaluated: 2021-03-15. Review status: criteria provided, single submitter. Criteria: GeneDx Variant Classification Process June 2021. Collection method: clinical testing. Allele origin: germline. Affected: yes.
Comment: This variant is associated with the following publications: (PMID: 27375234)

Ambry Genetics
Classification: Benign for Cardiovascular phenotype. Last evaluated: 2020-06-11. Review status: criteria provided, single submitter. Criteria: Ambry Autosomal Dominant and X-Linked criteria (2/2020). Collection method: clinical testing. Allele origin: germline. Observed: 1 variant allele.
Comment: General population or subpopulation frequency is too high to be a pathogenic mutation based on disease/syndrome prevalence and penetrance;In silico models in agreement (benign)

CHEO Genetics Diagnostic Laboratory, Children's Hospital of Eastern Ontario
Classification: Benign for Cardiomyopathy. Last evaluated: 2017-10-31. Review status: criteria provided, single submitter. Criteria: ACMG Guidelines, 2015. Collection method: clinical testing. Allele origin: germline.

Illumina Laboratory Services, Illumina
Classification: Uncertain significance for Dilated cardiomyopathy 1G. Last evaluated: 2017-04-27. Review status: criteria provided, single submitter. Criteria: ICSL Variant Classification Criteria 13 December 2019. Collection method: clinical testing. Allele origin: germline.

Illumina Laboratory Services, Illumina
Classification: Uncertain significance for Autosomal recessive limb-girdle muscular dystrophy type 2J. Last evaluated: 2017-04-27. Review status: criteria provided, single submitter. Criteria: ICSL Variant Classification Criteria 13 December 2019. Collection method: clinical testing. Allele origin: germline.

Illumina Laboratory Services, Illumina
Classification: Uncertain significance for Early-onset myopathy with fatal cardiomyopathy. Last evaluated: 2017-04-27. Review status: criteria provided, single submitter. Criteria: ICSL Variant Classification Criteria 13 December 2019. Collection method: clinical testing. Allele origin: germline.

Illumina Laboratory Services, Illumina
Classification: Benign for Tibial muscular dystrophy. Last evaluated: 2017-04-27. Review status: criteria provided, single submitter. Criteria: ICSL Variant Classification Criteria 13 December 2019. Collection method: clinical testing. Allele origin: germline.
Comment: This variant was observed as part of a predisposition screen in an ostensibly healthy population. A literature search was performed for the gene, cDNA change, and amino acid change (where applicable). No publications were found based on this search. Allele frequency data from public databases was too high to be consistent with this variant causing disease. Therefore, this variant is classified as benign.

Illumina Laboratory Services, Illumina
Classification: Benign for Myopathy, myofibrillar, 9, with early respiratory failure. Last evaluated: 2017-04-27. Review status: criteria provided, single submitter. Criteria: ICSL Variant Classification Criteria 13 December 2019. Collection method: clinical testing. Allele origin: germline.
Comment: the same text as in the submission from Illumina Laboratory Services, Illumina above.

Laboratory for Molecular Medicine, Mass General Brigham Personalized Medicine
Classification: Likely benign. Last evaluated: 2015-03-12. Review status: criteria provided, single submitter. Criteria: LMM Criteria. Collection method: clinical testing. Allele origin: germline. Observed: 2 variant alleles.
Comment: p.Arg8272His in exon 96 of TTN: This variant is not expected to have clinical si gnificance because it has been identified in 0.5% (47/8642) of East Asian chromo somes by the Exome Aggregation Consortium (ExAC; dbSNP rs374156904).

Eurofins Ntd Llc (ga)
Classification: Likely benign. Last evaluated: 2015-02-13. Review status: criteria provided, single submitter. Criteria: EGL Classification Definitions 2015. Collection method: clinical testing. Allele origin: germline. Observed: 1 variant allele, 1 heterozygote.

PreventionGenetics, part of Exact Sciences
Classification: Likely benign for TTN-related condition. Last evaluated: 2020-12-16. Review status: no assertion criteria provided. Collection method: clinical testing. Allele origin: germline. Not counted in ClinVar's aggregate classification.
Comment: This variant is classified as likely benign based on ACMG/AMP sequence variant interpretation guidelines (Richards et al. 2015 PMID: 25741868, with internal and published modifications).

Clinical Genetics DNA and cytogenetics Diagnostics Lab, Erasmus MC, Erasmus Medical Center
Classification: Likely benign. Review status: no assertion criteria provided. Collection method: clinical testing. Allele origin: germline. Affected: yes. Study: VKGL Data-share Consensus. Not counted in ClinVar's aggregate classification.

Clinical Genetics, Academic Medical Center
Classification: Benign. Review status: no assertion criteria provided. Collection method: clinical testing. Allele origin: germline. Affected: yes. Study: VKGL Data-share Consensus. Not counted in ClinVar's aggregate classification.

Joint Genome Diagnostic Labs from Nijmegen and Maastricht, Radboudumc and MUMC+
Classification: Likely benign. Review status: no assertion criteria provided. Collection method: clinical testing. Allele origin: germline. Affected: yes. Study: VKGL Data-share Consensus. Not counted in ClinVar's aggregate classification.

Literature cited by the submitters: PubMed 27375234 (cited by Athena Diagnostics); PubMed 30993396 (cited by Athena Diagnostics); PubMed 36703207 (cited by Athena Diagnostics); PubMed 31273342 (cited by Athena Diagnostics); PubMed 30348779 (cited by Athena Diagnostics); PubMed 37328711 (cited by Athena Diagnostics).